The following is an entry in ClinVar:

NM_004646.4(NPHS1):c.1225dup (p.Glu409fs)

Gene: NPHS1 (NPHS1 adhesion molecule, nephrin; minus strand). Cytogenetic location: 19q13.12.
Variant type: Duplication.
Coding change: c.1225dup on transcript NM_004646.4 (MANE Select); coding-DNA position 1225, one base duplicated (G; older notation c.1225dupG).
Protein change: p.Glu409fs; shifts the reading frame from glutamic acid 409.
Molecular consequence: frameshift variant.
Genome position (GRCh38, 1-based): chr19:35,848,343, C duplicated on the plus strand (G on the coding strand, the reverse complement: NPHS1 is on the minus strand); the first of 3 consecutive C bases (chr19:35,848,343-35,848,345); duplicating any one gives the same sequence. VCF-style (leftmost placement, unchanged base first): chr19-35848342-T-TC. GRCh37 (hg19) VCF-style: chr19-36339244-T-TC.
Other names: short protein forms E409fs.
Identifiers: ClinVar variation 5012309 (VCV005012309.1).
Genomic context (GRCh38, chr19:35,848,342, plus strand): 5'-AAGGTCTCCTTGGTGAAGGCTTCACTGAAGGCCTCACATGTGAGGGTCAGACCGTTGTCC[T>TC]CCCGCCGCGCCAGGAATGTCAGGTTGGACATGGAGATGTGACCGCCATGCAGTCCCTGGC-3'

ClinVar aggregate classification (germline): Pathogenic (1 of 4 stars; one submission).

Conditions:
Finnish congenital nephrotic syndrome (NPHS1). Also called: NEPHROTIC SYNDROME, TYPE 1. Identifiers: Orphanet 839, MedGen C0403399, MONDO:0009732, OMIM 256300.

Submission:

Myriad Genetics, Inc.
Classification: Pathogenic for Finnish congenital nephrotic syndrome. Last evaluated: 2023-09-27. Review status: criteria provided, single submitter. Criteria: Myriad Autosomal Dominant, Autosomal Recessive and X-Linked Classification Criteria (2023). Collection method: clinical testing. Allele origin: unknown.
Comment: NM_004646.3(NPHS1):c.1225dupG(E409Gfs*10) is expected to be pathogenic in the context of nephrotic syndrome, NPHS1-related. This variant is predicted to lead to an abnormal or absent protein product due to the creation of a premature termination codon in NPHS1, a gene where loss-of-function variants are known to be pathogenic. Please note: this variant was assessed in the context of healthy population screening.